The following is an entry in ClinVar:

ClinVar aggregate classification (germline): Conflicting classifications of pathogenicity. Review status: criteria provided, conflicting classifications (1 of 4 stars). 4 submissions from 4 submitters: Uncertain significance (2); Likely benign (2). Last evaluated 2026-01-28.

Conditions:
Osteogenesis imperfecta type 13. Also called: OI, TYPE XIII; Osteogenesis imperfecta, type xiii. Identifiers: Orphanet 666, MedGen C3553887, MONDO:0013924, OMIM 614856.
Osteogenesis imperfecta (OI). Identifiers: Orphanet 666, MedGen C0029434, MeSH D010013, MONDO:0019019.

Allele frequency attached by ClinVar (database versions not stated): ESP Exome Variant Server 0.00008; TOPMed 0.00020; gnomAD 0.00023 and 0.00024; gnomAD exomes 0.00028; 1000 Genomes Project 30x 0.00031; ExAC 0.00034; 1000 Genomes Project 0.00040.

Submissions (4):

Labcorp Genetics (formerly Invitae), Labcorp
Classification: Likely benign. Last evaluated: 2026-01-28. Review status: criteria provided, single submitter. Criteria: Invitae Variant Classification Sherloc (09022015). Collection method: clinical testing. Allele origin: germline.

Genome Diagnostics Laboratory, The Hospital for Sick Children
Classification: Uncertain significance for Osteogenesis imperfecta. Last evaluated: 2021-03-03. Review status: criteria provided, single submitter. Criteria: ACMG Guidelines, 2015. Collection method: clinical testing. Allele origin: germline.

GeneDx
Classification: Likely benign. Last evaluated: 2018-11-29. Review status: criteria provided, single submitter. Criteria: GeneDx Variant Classification Process June 2021. Collection method: clinical testing. Allele origin: germline. Affected: yes.
Comment: See Variant Classification Assertion Criteria.

Illumina Laboratory Services, Illumina
Classification: Uncertain significance for Osteogenesis imperfecta type 13. Last evaluated: 2018-01-12. Review status: criteria provided, single submitter. Criteria: ICSL Variant Classification Criteria 13 December 2019. Collection method: clinical testing. Allele origin: germline.

NM_006129.5(BMP1):c.1623C>T (p.Ala541=)

Genes: BMP1 (bone morphogenetic protein 1; plus strand), LOC113788269 (BRD4-independent group 4 enhancer GRCh37_chr8:22052064-22053263; plus strand). Cytogenetic location: 8p21.3.
Variant type: single nucleotide variant.
Coding change: c.1623C>T on transcript NM_006129.5 (MANE Select); coding-DNA position 1623, C replaced by T.
Protein change: p.Ala541=; no amino-acid change (alanine 541 retained).
Molecular consequence: synonymous variant. On other transcripts: non-coding transcript variant (2).
Genome position (GRCh38, 1-based): chr8:22,194,903, C>T. VCF-style: chr8-22194903-C-T. GRCh37 (hg19) VCF-style: chr8-22052416-C-T.
Other names: c.1623C>T, p.Ala541= (NM_001199.4).
Identifiers: ClinVar variation 362585 (VCV000362585.16), dbSNP rs181639729, ClinGen allele CA4664720.
Genomic context (GRCh38, chr8:22,194,903, plus strand): 5'-GTCCAGCCGCCTCTGGCTCAAGTTCGTCTCTGACGGGTCCATTAACAAAGCGGGCTTTGC[C>T]GTCAACTTTTTCAAAGGTGCCTCCTCTGTTACTCTCCCCTGCCCCAAGGTGCCTCGTGAC-3'
Protein context (NP_006120.1, residues 531-551): SDGSINKAGF[Ala541=]VNFFKEVDEC